The following is an entry in ClinVar:

NM_145290.4(ADGRA3):c.1511C>T (p.Ala504Val)

Gene: ADGRA3 (adhesion G protein-coupled receptor A3; minus strand). Cytogenetic location: 4p15.2.
Variant type: single nucleotide variant.
Coding change: c.1511C>T on transcript NM_145290.4 (MANE Select); coding-DNA position 1511, C replaced by T.
Protein change: p.Ala504Val; replaces alanine 504 with valine.
Molecular consequence: missense variant.
Genome position (GRCh38, 1-based): chr4:22,424,285, G>A on the plus strand (C>T on the coding strand, the complement: ADGRA3 is on the minus strand). VCF-style: chr4-22424285-G-A. GRCh37 (hg19) VCF-style: chr4-22425908-G-A.
Other names: short protein forms A504V.
Identifiers: ClinVar variation 3005186 (VCV003005186.3), dbSNP rs766992855, ClinGen allele CA2873933.

ClinVar aggregate classification (germline): Uncertain significance (1 of 4 stars; one submission).

Allele frequency attached by ClinVar (database versions not stated): gnomAD 0.00001; TOPMed 0.00002.
gnomAD v4.1: 7 of 1,613,642 alleles (0.00043%); highest among the groups gnomAD compares: African/African-American, 0.0027%; no homozygotes.

Submission:

Labcorp Genetics (formerly Invitae), Labcorp
Classification: Uncertain significance. Last evaluated: 2024-10-29. Review status: criteria provided, single submitter. Criteria: Invitae Variant Classification Sherloc (09022015). Collection method: clinical testing. Allele origin: germline.
Comment: This sequence change replaces alanine, which is neutral and non-polar, with valine, which is neutral and non-polar, at codon 504 of the ADGRA3 protein (p.Ala504Val). This variant is present in population databases (rs766992855, gnomAD 0.01%). This variant has not been reported in the literature in individuals affected with ADGRA3-related conditions. ClinVar contains an entry for this variant (Variation ID: 3005186). An algorithm developed to predict the effect of missense changes on protein structure and function (PolyPhen-2) suggests that this variant is likely to be disruptive. In summary, the available evidence is currently insufficient to determine the role of this variant in disease. Therefore, it has been classified as a Variant of Uncertain Significance.